The following is an entry in ClinVar:

NM_020693.4(DSCAML1):c.4576C>A (p.Gln1526Lys)

Gene: DSCAML1 (DS cell adhesion molecule like 1; minus strand). Cytogenetic location: 11q23.3.
Variant type: single nucleotide variant.
Coding change: c.4576C>A on transcript NM_020693.4 (MANE Select); coding-DNA position 4576, C replaced by A.
Protein change: p.Gln1526Lys; replaces glutamine 1526 with lysine.
Molecular consequence: missense variant.
Genome position (GRCh38, 1-based): chr11:117,437,266, G>T on the plus strand (C>A on the coding strand, the complement: DSCAML1 is on the minus strand). VCF-style: chr11-117437266-G-T. GRCh37 (hg19) VCF-style: chr11-117307982-G-T.
Other names: short protein forms Q1526K.
Identifiers: ClinVar variation 1363486 (VCV001363486.6), dbSNP rs762516390, ClinGen allele CA6296335.

ClinVar aggregate classification (germline): Uncertain significance (1 of 4 stars; one submission).

Allele frequency attached by ClinVar (database versions not stated): gnomAD exomes 0.00003 and 0.00004; TOPMed 0.00003; gnomAD 0.00005 and 0.00006; ExAC 0.00007.
gnomAD v4.1: 62 of 1,614,104 alleles (0.0038%); highest among the groups gnomAD compares: Middle Eastern, 0.016%; no homozygotes.

Submission:

Labcorp Genetics (formerly Invitae), Labcorp
Classification: Uncertain significance. Last evaluated: 2025-03-31. Review status: criteria provided, single submitter. Criteria: Invitae Variant Classification Sherloc (09022015). Collection method: clinical testing. Allele origin: germline.
Comment: This sequence change replaces glutamine, which is neutral and polar, with lysine, which is basic and polar, at codon 1586 of the DSCAML1 protein (p.Gln1586Lys). This variant is present in population databases (rs762516390, gnomAD 0.009%). This variant has not been reported in the literature in individuals affected with DSCAML1-related conditions. ClinVar contains an entry for this variant (Variation ID: 1363486). An algorithm developed to predict the effect of missense changes on protein structure and function (PolyPhen-2) suggests that this variant is likely to be tolerated. In summary, the available evidence is currently insufficient to determine the role of this variant in disease. Therefore, it has been classified as a Variant of Uncertain Significance.